The following is an entry in ClinVar:

NM_000537.4(REN):c.30G>A (p.Trp10Ter)

Genes: REN (renin; minus strand), LOC107548112 (REN promoter and enhancer region; plus strand). Cytogenetic location: 1q32.1.
Variant type: single nucleotide variant.
Coding change: c.30G>A on transcript NM_000537.4 (MANE Select); coding-DNA position 30, G replaced by A.
Protein change: p.Trp10Ter; replaces tryptophan 10 with a stop codon.
Molecular consequence: nonsense.
Genome position (GRCh38, 1-based): chr1:204,166,264, C>T on the plus strand (G>A on the coding strand, the complement: REN is on the minus strand). VCF-style: chr1-204166264-C-T. GRCh37 (hg19) VCF-style: chr1-204135392-C-T.
Other names: short protein forms W10*.
Identifiers: ClinVar variation 4074750 (VCV004074750.1).

ClinVar aggregate classification (germline): Likely pathogenic (1 of 4 stars; one submission).

Conditions:
Familial juvenile hyperuricemic nephropathy type 2 (ADTKD4). Also called: EARLY-ONSET HYPERURICEMIA, ANEMIA, AND PROGRESSIVE KIDNEY FAILURE; Autosomal Dominant Tubulointerstitial Kidney Disease – REN. Identifiers: Orphanet 217330, MedGen C2751310, MONDO:0013128, OMIM 613092.

gnomAD v4.1: 1 of 1,614,208 alleles (0.000062%); highest among the groups gnomAD compares: Non-Finnish European, 0.000085%; no homozygotes.

Submission:

Institute of Immunology and Genetics Kaiserslautern
Classification: Likely pathogenic for Familial juvenile hyperuricemic nephropathy type 2. Last evaluated: 2025-06-04. Review status: criteria provided, single submitter. Criteria: ACMG Guidelines, 2015. Collection method: clinical testing. Allele origin: germline. Affected: yes.
Comment: ACMG Criteria: PVS1, PM2; Variant was found in heterozygous state.